The following is an entry in ClinVar:

ClinVar aggregate classification (germline): Uncertain significance (1 of 4 stars; one submission).

Submission:

Labcorp Genetics (formerly Invitae), Labcorp
Classification: Uncertain significance. Last evaluated: 2024-04-10. Review status: criteria provided, single submitter. Criteria: Invitae Variant Classification Sherloc (09022015). Collection method: clinical testing. Allele origin: germline.
Comment: This sequence change replaces aspartic acid, which is acidic and polar, with glutamic acid, which is acidic and polar, at codon 536 of the LEMD3 protein (p.Asp536Glu). This variant is not present in population databases (gnomAD no frequency). This variant has not been reported in the literature in individuals affected with LEMD3-related conditions. ClinVar contains an entry for this variant (Variation ID: 2000654). Advanced modeling of protein sequence and biophysical properties (such as structural, functional, and spatial information, amino acid conservation, physicochemical variation, residue mobility, and thermodynamic stability) performed at Invitae indicates that this missense variant is not expected to disrupt LEMD3 protein function with a negative predictive value of 80%. In summary, the available evidence is currently insufficient to determine the role of this variant in disease. Therefore, it has been classified as a Variant of Uncertain Significance.

NM_014319.5(LEMD3):c.1608T>A (p.Asp536Glu)

Gene: LEMD3 (LEM domain containing 3; plus strand). Cytogenetic location: 12q14.3.
Variant type: single nucleotide variant.
Coding change: c.1608T>A on transcript NM_014319.5 (MANE Select); coding-DNA position 1608, T replaced by A.
Protein change: p.Asp536Glu; replaces aspartic acid 536 with glutamic acid.
Molecular consequence: missense variant.
Genome position (GRCh38, 1-based): chr12:65,216,024, T>A. VCF-style: chr12-65216024-T-A. GRCh37 (hg19) VCF-style: chr12-65609804-T-A.
Other names: c.1605T>A, p.Asp535Glu (NM_001167614.2); short protein forms D536E, D535E.
Identifiers: ClinVar variation 2000654 (VCV002000654.4), dbSNP rs1870100241, ClinGen allele CA385677348.
Genomic context (GRCh38, chr12:65,216,024, plus strand): 5'-CTCTTAATTTTAGGAAAGTGAAAAAACTCTTATGATGAACACATTATATAAGCTTCATGA[T>A]CGATTGGCACAGCTTGCAGGTAATTGTTTTAACTTTTATAGTTGCTAAAAATGTTTTGAA-3'
Protein context (NP_055134.2, residues 526-546): LMMNTLYKLH[Asp536Glu]RLAQLAGDHE